The following is an entry in ClinVar:

ClinVar aggregate classification (germline): Likely benign (1 of 4 stars; one submission).

Allele frequency attached by ClinVar (database versions not stated): ESP Exome Variant Server 0.00015; 1000 Genomes Project 30x 0.00031; ExAC 0.00038; 1000 Genomes Project 0.00040.

Submission:

CeGaT Center for Human Genetics Tuebingen
Classification: Likely benign. Last evaluated: 2025-12-01. Review status: criteria provided, single submitter. Criteria: CeGaT Center For Human Genetics Tuebingen Variant Classification Criteria Version 2. Collection method: clinical testing. Allele origin: germline. Affected: yes. Observed: 5 variant alleles.
Comment: FLG: BP4, BP7

NM_002016.2(FLG):c.3153C>T (p.Arg1051=)

Genes: CCDST (cervical cancer associated DHX9 suppressive transcript; plus strand), FLG (filaggrin; minus strand). Cytogenetic location: 1q21.3.
Variant type: single nucleotide variant.
Coding change: c.3153C>T on transcript NM_002016.2 (MANE Select); coding-DNA position 3153, C replaced by T.
Protein change: p.Arg1051=; no amino-acid change (arginine 1051 retained).
Molecular consequence: synonymous variant.
Genome position (GRCh38, 1-based): chr1:152,311,733, G>A on the plus strand (C>T on the coding strand, the complement: FLG is on the minus strand). VCF-style: chr1-152311733-G-A. GRCh37 (hg19) VCF-style: chr1-152284209-G-A.
Identifiers: ClinVar variation 2639298 (VCV002639298.24), dbSNP rs142303167, ClinGen allele CA1106808.
Genomic context (GRCh38, chr1:152,311,733, plus strand): 5'-GGCCTGACTACCACTGGACCCCCAGTGTCCACTGTCTCTGACTGCAGATGAAGCTTGTCT[G>A]CGCGGAATGCCTGAGTGTCTGGAGCTGTCTGCTGACTGCTGGTGGCGGGATCCGTGTCTT-3'
Protein context (NP_002007.1, residues 1041-1061): ADSSRHSGIP[Arg1051=]RQASSAVRDS